The following is an entry in ClinVar:

ClinVar aggregate classification (germline): Benign/Likely benign. Review status: criteria provided, multiple submitters, no conflicts (2 of 4 stars). 2 submissions from 2 submitters: Benign (1); Likely benign (1). Last evaluated 2026-07-15.

Conditions:
Rhabdoid tumor predisposition syndrome 2 (RTPS2). Identifiers: Orphanet 231108, Orphanet 69077, MedGen C2750074, MONDO:0013224, OMIM 613325.

Allele frequency attached by ClinVar (database versions not stated): TOPMed 0.00002; gnomAD 0.00001.
gnomAD v4.1: 9 of 1,595,870 alleles (0.00056%); highest among the groups gnomAD compares: Non-Finnish European, 0.00077%; no homozygotes.

Submissions (2):

Myriad Genetics, Inc.
Classification: Benign for Rhabdoid tumor predisposition syndrome 2. Last evaluated: 2026-07-15. Review status: criteria provided, single submitter. Criteria: Myriad Autosomal Dominant, Autosomal Recessive and X-Linked Classification Criteria (2023). Collection method: clinical testing. Allele origin: unknown.
Comment: This variant is considered benign. This variant is intronic and is not expected to impact mRNA splicing. This variant has been observed at a population frequency that is significantly greater than expected given the associated disease prevalence and penetrance.

Labcorp Genetics (formerly Invitae), Labcorp
Classification: Likely benign for Rhabdoid tumor predisposition syndrome 2. Last evaluated: 2025-11-27. Review status: criteria provided, single submitter. Criteria: Invitae Variant Classification Sherloc (09022015). Collection method: clinical testing. Allele origin: germline.

NM_003072.5(SMARCA4):c.2974-11G>C

Gene: SMARCA4 (SWI/SNF related BAF chromatin remodeling complex subunit ATPase 4; plus strand). Cytogenetic location: 19p13.2.
Variant type: single nucleotide variant.
Coding change: c.2974-11G>C on transcript NM_003072.5 (MANE Select); 11 bases into the intron before coding-DNA position 2974, G replaced by C.
Molecular consequence: intron variant.
Genome position (GRCh38, 1-based): chr19:11,024,320, G>C. VCF-style: chr19-11024320-G-C. GRCh37 (hg19) VCF-style: chr19-11134996-G-C.
Other names: c.2974-11G>C (NM_001128844.3, NM_001128849.3, NM_001128847.4 and 5 more transcripts).
Identifiers: ClinVar variation 1664780 (VCV001664780.9), dbSNP rs901539613, ClinGen allele CA305276130.
Genomic context (GRCh38, chr19:11,024,320, plus strand): 5'-CTGGGTTCGGATGGGGGGAGTCAGGCCTCAAGCCACCTTGGGCCCTCGTGAGCATTATGT[G>C]TCCCCTGCAGGTGGAGTACGTCATCAAGTGCGACATGTCTGCGCTGCAGCGAGTGCTCTA-3'